The following is an entry in ClinVar:

NM_000108.5(DLD):c.316T>A (p.Phe106Ile)

Gene: DLD (dihydrolipoamide dehydrogenase; plus strand). Cytogenetic location: 7q31.1.
Variant type: single nucleotide variant.
Coding change: c.316T>A on transcript NM_000108.5 (MANE Select); coding-DNA position 316, T replaced by A.
Protein change: p.Phe106Ile; replaces phenylalanine 106 with isoleucine.
Molecular consequence: missense variant.
Genome position (GRCh38, 1-based): chr7:107,903,526, T>A. VCF-style: chr7-107903526-T-A. GRCh37 (hg19) VCF-style: chr7-107543971-T-A.
Other names: c.19T>A, p.Phe7Ile (NM_001289750.1); c.247T>A, p.Phe83Ile (NM_001289751.1); c.316T>A, p.Phe106Ile (NM_001289752.1); short protein forms F106I, F7I, F83I.
Identifiers: ClinVar variation 1050625 (VCV001050625.1), dbSNP rs1242981665, ClinGen allele CA368855113.

ClinVar aggregate classification (germline): Uncertain significance (0 of 4 stars; one submission).

Allele frequency attached by ClinVar (database versions not stated): gnomAD exomes below 0.00001; gnomAD 0.00001 and 0.00002; TOPMed 0.00001.

Submission:

Department of Pathology and Laboratory Medicine, Sinai Health System
Classification: Uncertain significance. Review status: no assertion criteria provided. Collection method: clinical testing. Allele origin: unknown. Affected: yes. Study: The Canadian Open Genetics Repository (COGR).
Comment: The DLD p.Phe106Ile variant was not identified in the literature nor was it identified in ClinVar or LOVD 3.0. The variant was identified in dbSNP (ID: rs1242981665) and in control databases in 2 of 282352 chromosomes at a frequency of 0.000007083 (Genome Aggregation Database March 6, 2019, v2.1.1). The variant was observed in the African population in 2 of 24904 chromosomes (freq: 0.00008), but was not observed in the Latino, Ashkenazi Jewish, East Asian, European (Finnish), European (non-Finnish), Other, or South Asian populations. The p.Phe106 residue is conserved in mammals and computational analyses (PolyPhen-2, SIFT, AlignGVGD, BLOSUM, MutationTaster) provide inconsistent predictions regarding the impact to the protein; this information is not very predictive of pathogenicity. The variant occurs outside of the splicing consensus sequence and in silico or computational prediction software programs (SpliceSiteFinder, MaxEntScan, NNSPLICE, GeneSplicer) do not predict a difference in splicing. In summary, based on the above information the clinical significance of this variant cannot be determined with certainty at this time. This variant is classified as a variant of uncertain significance.